The following is an entry in ClinVar:

ClinVar aggregate classification (germline): Uncertain significance (1 of 4 stars; one submission).

Conditions:
Epidermodysplasia verruciformis. Identifiers: Orphanet 302, MedGen C0014522, MONDO:0009176.

Allele frequency attached by ClinVar (database versions not stated): TOPMed below 0.00001; ExAC 0.00001; gnomAD 0.00001.
gnomAD v4.1: 4 of 1,613,114 alleles (0.00025%); highest among the groups gnomAD compares: African/African-American, 0.0027%; no homozygotes.

Submission:

Labcorp Genetics (formerly Invitae), Labcorp
Classification: Uncertain significance for Epidermodysplasia verruciformis. Last evaluated: 2019-07-03. Review status: criteria provided, single submitter. Criteria: Invitae Variant Classification Sherloc (09022015). Collection method: clinical testing. Allele origin: germline.
Comment: This sequence change replaces glycine with aspartic acid at codon 21 of the TMC6 protein (p.Gly21Asp). The glycine residue is weakly conserved and there is a moderate physicochemical difference between glycine and aspartic acid. This variant is present in population databases (rs764574773, ExAC 0.006%). This variant has not been reported in the literature in individuals with TMC6-related conditions. Algorithms developed to predict the effect of missense changes on protein structure and function output the following: SIFT: "Tolerated"; PolyPhen-2: "Benign"; Align-GVGD: "Class C0". The aspartic acid amino acid residue is found in multiple mammalian species, suggesting that this missense change does not adversely affect protein function. These predictions have not been confirmed by published functional studies and their clinical significance is uncertain. In summary, the available evidence is currently insufficient to determine the role of this variant in disease. Therefore, it has been classified as a Variant of Uncertain Significance.

NM_001127198.5(TMC6):c.62G>A (p.Gly21Asp)

Gene: TMC6 (transmembrane channel like 6; minus strand). Cytogenetic location: 17q25.3.
Variant type: single nucleotide variant.
Coding change: c.62G>A on transcript NM_001127198.5 (MANE Select); coding-DNA position 62, G replaced by A.
Protein change: p.Gly21Asp; replaces glycine 21 with aspartic acid.
Molecular consequence: missense variant.
Genome position (GRCh38, 1-based): chr17:78,126,643, C>T on the plus strand (G>A on the coding strand, the complement: TMC6 is on the minus strand). VCF-style: chr17-78126643-C-T. GRCh37 (hg19) VCF-style: chr17-76122724-C-T.
Other names: c.62G>A, p.Gly21Asp (NM_001321185.1, NM_001374593.1, NM_001374594.1 and 4 more transcripts); short protein forms G21D.
Identifiers: ClinVar variation 939441 (VCV000939441.1), dbSNP rs764574773, ClinGen allele CA8796263.